The following is an entry in ClinVar:

ClinVar aggregate classification (germline): Uncertain significance. Review status: criteria provided, multiple submitters, no conflicts (2 of 4 stars). 2 submissions from 2 submitters: Uncertain significance (2). Last evaluated 2023-06-03.

Conditions:
Neurodevelopmental disorder with nonspecific brain abnormalities and with or without seizures. Identifiers: MedGen C5231470, MONDO:0032877, OMIM 618709.

gnomAD v4.1: 14 of 1,614,068 alleles (0.00087%); highest among the groups gnomAD compares: Non-Finnish European, 0.0012%; no homozygotes.

Submissions (2):

Labcorp Genetics (formerly Invitae), Labcorp
Classification: Uncertain significance. Last evaluated: 2023-06-03. Review status: criteria provided, single submitter. Criteria: Invitae Variant Classification Sherloc (09022015). Collection method: clinical testing. Allele origin: germline.
Comment: In summary, the available evidence is currently insufficient to determine the role of this variant in disease. Therefore, it has been classified as a Variant of Uncertain Significance. This variant has not been reported in the literature in individuals affected with DLL1-related conditions. This sequence change replaces glycine, which is neutral and non-polar, with alanine, which is neutral and non-polar, at codon 205 of the DLL1 protein (p.Gly205Ala). This variant is not present in population databases (gnomAD no frequency). ClinVar contains an entry for this variant (Variation ID: 1806347). An algorithm developed to predict the effect of missense changes on protein structure and function (PolyPhen-2) suggests that this variant is likely to be disruptive.

Victorian Clinical Genetics Services, Murdoch Childrens Research Institute
Classification: Uncertain significance for Neurodevelopmental disorder with nonspecific brain abnormalities and with or without seizures. Last evaluated: 2021-05-06. Review status: criteria provided, single submitter. Criteria: ACMG Guidelines, 2015. Collection method: clinical testing. Allele origin: germline. Inheritance: Autosomal dominant inheritance.
Comment: Based on the classification scheme VCGS_Germline_v1.3.4, this variant is classified as VUS-3C. Following criteria are met: 0102 - Loss of function is a known mechanism of disease in this gene and is associated with neurodevelopmental disorder with nonspecific brain abnormalities and with or without seizures (MIM#618709). (I) 0107 - This gene is associated with autosomal dominant disease. (I) 0200 - Variant is predicted to result in a missense amino acid change from glycine to alanine. (I) 0251 - This variant is heterozygous. (I) 0301 - Variant is absent from gnomAD (both v2 and v3). (SP) 0309 - An alternative amino acid change at the same position has been observed in gnomAD (v3) (165 heterozygotes, 0 homozygotes). (I) 0503 - Missense variant consistently predicted to be tolerated by multiple in silico tools or not conserved in placental mammals with a minor amino acid change. (SB) 0603 - Missense variant in a region that is highly intolerant to missense variation (high constraint region in DECIPHER). (SP) 0705 - No comparable missense variants have previous evidence for pathogenicity. (I) 0807 - This variant has no previous evidence of pathogenicity. (I) 0905 - No published segregation evidence has been identified for this variant. (I) 1007 - No published functional evidence has been identified for this variant. (I) 1208 - Inheritance information for this variant is not currently available in this individual. (I) Legend: (SP) - Supporting pathogenic, (I) - Information, (SB) - Supporting benign

NM_005618.4(DLL1):c.614G>C (p.Gly205Ala)

Gene: DLL1 (delta like canonical Notch ligand 1; minus strand). Cytogenetic location: 6q27.
Variant type: single nucleotide variant.
Coding change: c.614G>C on transcript NM_005618.4 (MANE Select); coding-DNA position 614, G replaced by C.
Protein change: p.Gly205Ala; replaces glycine 205 with alanine.
Molecular consequence: missense variant.
Genome position (GRCh38, 1-based): chr6:170,288,295, C>G on the plus strand (G>C on the coding strand, the complement: DLL1 is on the minus strand). VCF-style: chr6-170288295-C-G. GRCh37 (hg19) VCF-style: chr6-170597383-C-G.
Other names: short protein forms G205A.
Identifiers: ClinVar variation 1806347 (VCV001806347.4), dbSNP rs200590776, ClinGen allele CA152194151.
Genomic context (GRCh38, chr6:170,288,295, plus strand): 5'-TCACGCTCTGTGCAGTAGGGCCCTTTCCAGCCAGGGTTGCACACTTTCTCCCCACGCTCC[C>G]CACAGGTGAAGTGGCCGAAGGCATCGTCCCGGGGACGGCAGAAAACGGAGCAGCCCTCTC-3'
Protein context (NP_005609.3, residues 195-215): RDDAFGHFTC[Gly205Ala]ERGEKVCNPG